The following is an entry in ClinVar:

NM_004700.4(KCNQ4):c.785A>G (p.Asp262Gly)

Gene: KCNQ4 (potassium voltage-gated channel subfamily Q member 4; plus strand). Cytogenetic location: 1p34.2.
Variant type: single nucleotide variant.
Coding change: c.785A>G on transcript NM_004700.4 (MANE Select); coding-DNA position 785, A replaced by G.
Protein change: p.Asp262Gly; replaces aspartic acid 262 with glycine.
Molecular consequence: missense variant.
Genome position (GRCh38, 1-based): chr1:40,819,423, A>G. VCF-style: chr1-40819423-A-G. GRCh37 (hg19) VCF-style: chr1-41285095-A-G.
Other names: c.785A>G, p.Asp262Gly (NM_172163.3); short protein forms D262G.
Identifiers: ClinVar variation 1308735 (VCV001308735.2), dbSNP rs80358275, ClinGen allele CA339895577.

ClinVar aggregate classification (germline): Uncertain significance (1 of 4 stars; one submission).

Allele frequency attached by ClinVar (database versions not stated): TOPMed below 0.00001; gnomAD exomes 0.00001.
gnomAD v4.1: 8 of 1,613,472 alleles (0.0005%); highest among the groups gnomAD compares: Non-Finnish European, 0.00068%; no homozygotes.

Submission:

GeneDx
Classification: Uncertain significance. Last evaluated: 2019-09-30. Review status: criteria provided, single submitter. Criteria: GeneDx Variant Classification Process June 2021. Collection method: clinical testing. Allele origin: germline. Affected: yes.
Comment: Not observed in large population cohorts (Lek et al., 2016); In silico analysis, which includes protein predictors and evolutionary conservation, supports a deleterious effect; Has not been previously published as pathogenic or benign to our knowledge